The following is an entry in ClinVar:

ClinVar aggregate classification (germline): Uncertain significance (1 of 4 stars; one submission).

Conditions:
Gorlin syndrome. Also called: Nevoid Basal Cell Carcinoma Syndrome; Basal cell nevus syndrome. Identifiers: Orphanet 377, MedGen C0004779, MONDO:0007187.

Submission:

Labcorp Genetics (formerly Invitae), Labcorp
Classification: Uncertain significance for Gorlin syndrome. Last evaluated: 2023-11-18. Review status: criteria provided, single submitter. Criteria: Invitae Variant Classification Sherloc (09022015). Collection method: clinical testing. Allele origin: germline.
Comment: This sequence change replaces valine, which is neutral and non-polar, with phenylalanine, which is neutral and non-polar, at codon 949 of the PTCH1 protein (p.Val949Phe). This variant is not present in population databases (gnomAD no frequency). This variant has not been reported in the literature in individuals affected with PTCH1-related conditions. Advanced modeling of protein sequence and biophysical properties (such as structural, functional, and spatial information, amino acid conservation, physicochemical variation, residue mobility, and thermodynamic stability) performed at Invitae indicates that this missense variant is not expected to disrupt PTCH1 protein function with a negative predictive value of 95%. In summary, the available evidence is currently insufficient to determine the role of this variant in disease. Therefore, it has been classified as a Variant of Uncertain Significance.

NM_000264.5(PTCH1):c.2845G>T (p.Val949Phe)

Gene: PTCH1 (patched 1; minus strand). Cytogenetic location: 9q22.32.
Variant type: single nucleotide variant.
Coding change: c.2845G>T on transcript NM_000264.5 (MANE Select); coding-DNA position 2845, G replaced by T.
Protein change: p.Val949Phe; replaces valine 949 with phenylalanine.
Molecular consequence: missense variant. On other transcripts: non-coding transcript variant (1).
Genome position (GRCh38, 1-based): chr9:95,459,642, C>A on the plus strand (G>T on the coding strand, the complement: PTCH1 is on the minus strand). VCF-style: chr9-95459642-C-A. GRCh37 (hg19) VCF-style: chr9-98221924-C-A.
Other names: c.2647G>T, p.Val883Phe (NM_001083602.3); c.2842G>T, p.Val948Phe (NM_001083603.3); c.2392G>T, p.Val798Phe (NM_001083604.3, NM_001083605.3, NM_001083606.3 and 1 more transcripts); c.2689G>T, p.Val897Phe (NM_001354918.2); short protein forms V798F, V948F, V949F, V883F, V897F.
Identifiers: ClinVar variation 2695493 (VCV002695493.3), dbSNP rs2136670582, ClinGen allele CA374112958.